The following is an entry in ClinVar:

ClinVar aggregate classification (germline): Likely benign (1 of 4 stars; one submission).

Allele frequency attached by ClinVar (database versions not stated): 1000 Genomes Project 0.00260; 1000 Genomes Project 30x 0.00375.

Submission:

CeGaT Center for Human Genetics Tuebingen
Classification: Likely benign. Last evaluated: 2026-09-01. Review status: criteria provided, single submitter. Criteria: CeGaT Center For Human Genetics Tuebingen Variant Classification Criteria Version 2. Collection method: clinical testing. Allele origin: germline. Affected: yes. Observed: 4 variant alleles.
Comment: SLC9A3: BS2

NM_004174.4(SLC9A3):c.*88G>C

Genes: SLC9A3 (solute carrier family 9 member A3), SLC9A3-AS1 (SLC9A3 antisense RNA 1; plus strand). Cytogenetic location: 5p15.33.
Variant type: single nucleotide variant.
Coding change: c.*88G>C on transcript NM_004174.4 (MANE Select); 88 bases downstream of the stop codon, G replaced by C.
Molecular consequence: 3 prime UTR variant. On other transcripts: non-coding transcript variant (1).
Genome position (GRCh38, 1-based): chr5:473,291, C>G on the plus strand (G>C on the coding strand, the complement: SLC9A3 is on the minus strand). VCF-style: chr5-473291-C-G. GRCh37 (hg19) VCF-style: chr5-473406-C-G.
Other names: c.*88G>C (NM_001284351.3).
Identifiers: ClinVar variation 2655249 (VCV002655249.24), dbSNP rs540024518, ClinGen allele CA112828579.